The following is an entry in ClinVar:

NM_006939.4(SOS2):c.230C>G (p.Thr77Ser)

Gene: SOS2 (SOS Ras/Rho guanine nucleotide exchange factor 2; minus strand). Cytogenetic location: 14q21.3.
Variant type: single nucleotide variant.
Coding change: c.230C>G on transcript NM_006939.4 (MANE Select); coding-DNA position 230, C replaced by G.
Protein change: p.Thr77Ser; replaces threonine 77 with serine.
Molecular consequence: missense variant.
Genome position (GRCh38, 1-based): chr14:50,201,068, G>C on the plus strand (C>G on the coding strand, the complement: SOS2 is on the minus strand). VCF-style: chr14-50201068-G-C. GRCh37 (hg19) VCF-style: chr14-50667786-G-C.
Other names: c.230C>G (NM_006939.2); short protein forms T77S.
Identifiers: ClinVar variation 999750 (VCV000999750.11), dbSNP rs565261873, ClinGen allele CA7177575.
Genomic context (GRCh38, chr14:50,201,068, plus strand): 5'-CGTTTTTCTATAGCAGATTGTGCATCAGCAATGGCCCATTTATCAATTGGGTGAGGAAAG[G>C]TCTTCTGAACTCGCTCCTGCTCAATCACAGCAGAACCATTGTAGTATTAATAAAAGTGTT-3'
Protein context (NP_008870.2, residues 67-87): VQDVEERVQK[Thr77Ser]FPHPIDKWAI

ClinVar aggregate classification (germline): Conflicting classifications of pathogenicity. Review status: criteria provided, conflicting classifications (1 of 4 stars). 3 submissions from 3 submitters: Uncertain significance (2); Likely benign (1). Last evaluated 2025-11-24.

Conditions:
Cardiovascular phenotype. Identifiers: MedGen CN230736.
Noonan syndrome 9 (NS9). Identifiers: Orphanet 648, MedGen C4225282, MONDO:0014691, OMIM 616559.

Allele frequency attached by ClinVar (database versions not stated): gnomAD below 0.00001 and 0.00001; TOPMed below 0.00001; gnomAD exomes 0.00001 and 0.00002; ExAC 0.00003; 1000 Genomes Project 30x 0.00016; 1000 Genomes Project 0.00020.
gnomAD v4.1: 14 of 1,613,774 alleles (0.00087%); highest among the groups gnomAD compares: South Asian, 0.011%; no homozygotes.

Submissions (3):

Women's Health and Genetics/Laboratory Corporation of America, LabCorp
Classification: Uncertain significance. Last evaluated: 2025-11-24. Review status: criteria provided, single submitter. Criteria: LabCorp Variant Classification Summary - May 2015. Collection method: clinical testing. Allele origin: germline.

Labcorp Genetics (formerly Invitae), Labcorp
Classification: Likely benign for Noonan syndrome 9. Last evaluated: 2025-10-29. Review status: criteria provided, single submitter. Criteria: Invitae Variant Classification Sherloc (09022015). Collection method: clinical testing. Allele origin: germline.

Ambry Genetics
Classification: Uncertain significance for Cardiovascular phenotype. Last evaluated: 2024-12-31. Review status: criteria provided, single submitter. Criteria: Ambry Variant Classification Scheme 2023. Collection method: clinical testing. Allele origin: germline.
Comment: The p.T77S variant (also known as c.230C>G), located in coding exon 3 of the SOS2 gene, results from a C to G substitution at nucleotide position 230. The threonine at codon 77 is replaced by serine, an amino acid with similar properties. This amino acid position is conserved. In addition, the in silico prediction for this alteration is inconclusive. Based on the available evidence, the clinical significance of this variant remains unclear.